The following is an entry in ClinVar:

ClinVar aggregate classification (germline): Benign/Likely benign. Review status: criteria provided, multiple submitters, no conflicts (2 of 4 stars). 4 submissions from 4 submitters: Benign (1); Likely benign (2). 1 of the submissions does not count toward it. Last evaluated 2026-01-27.

Conditions:
HERC1-related disorder. Also called: HERC1-related condition.

Allele frequency attached by ClinVar (database versions not stated): 1000 Genomes Project 0.01018; ESP Exome Variant Server 0.02704; 1000 Genomes Project 30x 0.01077; gnomAD 0.02482 and 0.02331; ExAC 0.02864; TOPMed 0.02233; gnomAD exomes 0.02602.
gnomAD v4.1: 53,501 of 1,613,338 alleles (3.3%); highest among the groups gnomAD compares: Non-Finnish European, 4%; 1,127 homozygotes.

Submissions (4):

Labcorp Genetics (formerly Invitae), Labcorp
Classification: Benign. Last evaluated: 2026-01-27. Review status: criteria provided, single submitter. Criteria: Invitae Variant Classification Sherloc (09022015). Collection method: clinical testing. Allele origin: germline.

GeneDx
Classification: Likely benign. Last evaluated: 2024-03-23. Review status: criteria provided, single submitter. Criteria: GeneDx Variant Classification Process June 2021. Collection method: clinical testing. Allele origin: germline. Affected: yes.
Comment: See Variant Classification Assertion Criteria.

Breakthrough Genomics
Classification: Likely benign. Review status: criteria provided, single submitter. Criteria: ACMG Guidelines, 2015. Collection method: not provided. Allele origin: germline. Inheritance: Autosomal recessive inheritance. Affected: yes.

PreventionGenetics, part of Exact Sciences
Classification: Benign for HERC1-related condition. Last evaluated: 2019-06-04. Review status: no assertion criteria provided. Collection method: clinical testing. Allele origin: germline. Not counted in ClinVar's aggregate classification.
Comment: This variant is classified as benign based on ACMG/AMP sequence variant interpretation guidelines (Richards et al. 2015 PMID: 25741868, with internal and published modifications).

NM_003922.4(HERC1):c.5044C>G (p.Leu1682Val)

Gene: HERC1 (HECT and RLD domain containing E3 ubiquitin protein ligase family member 1; minus strand). Cytogenetic location: 15q22.31.
Variant type: single nucleotide variant.
Coding change: c.5044C>G on transcript NM_003922.4 (MANE Select); coding-DNA position 5044, C replaced by G.
Protein change: p.Leu1682Val; replaces leucine 1682 with valine.
Molecular consequence: missense variant.
Genome position (GRCh38, 1-based): chr15:63,696,201, G>C on the plus strand (C>G on the coding strand, the complement: HERC1 is on the minus strand). VCF-style: chr15-63696201-G-C. GRCh37 (hg19) VCF-style: chr15-63988400-G-C.
Other names: short protein forms L1682V.
Identifiers: ClinVar variation 1197788 (VCV001197788.15), dbSNP rs74814914, ClinGen allele CA7605655.